The following is an entry in ClinVar:

ClinVar aggregate classification (germline): Uncertain significance (1 of 4 stars; one submission).

gnomAD v4.1: 1 of 1,614,046 alleles (0.000062%); highest among the groups gnomAD compares: African/African-American, 0.0013%; no homozygotes.

Submission:

Women's Health and Genetics/Laboratory Corporation of America, LabCorp
Classification: Uncertain significance. Last evaluated: 2025-06-16. Review status: criteria provided, single submitter. Criteria: LabCorp Variant Classification Summary - May 2015. Collection method: clinical testing. Allele origin: germline.
Comment: Variant summary: CFTR c.2174A>G (p.Glu725Gly) results in a non-conservative amino acid change in the encoded protein sequence. Algorithms developed to predict the effect of missense changes on protein structure and function all suggest that this variant is likely to be disruptive. The variant was absent in 251228 control chromosomes. The available data on variant occurrences in the general population are insufficient to allow any conclusion about variant significance. To our knowledge, no occurrence of c.2174A>G in individuals affected with Cystic Fibrosis and no experimental evidence demonstrating its impact on protein function have been reported. No submitters have cited clinical-significance assessments for this variant to ClinVar. Based on the evidence outlined above, the variant was classified as uncertain significance.

NM_000492.4(CFTR):c.2174A>G (p.Glu725Gly)

Gene: CFTR (CF transmembrane conductance regulator; plus strand). Cytogenetic location: 7q31.2.
Variant type: single nucleotide variant.
Coding change: c.2174A>G on transcript NM_000492.4 (MANE Select); coding-DNA position 2174, A replaced by G.
Protein change: p.Glu725Gly; replaces glutamic acid 725 with glycine.
Molecular consequence: missense variant.
Genome position (GRCh38, 1-based): chr7:117,592,341, A>G. VCF-style: chr7-117592341-A-G. GRCh37 (hg19) VCF-style: chr7-117232395-A-G.
Other names: short protein forms E725G.
Identifiers: ClinVar variation 3907115 (VCV003907115.1).
Genomic context (GRCh38, chr7:117,592,341, plus strand): 5'-TCAACTCTATACGAAAATTTTCCATTGTGCAAAAGACTCCCTTACAAATGAATGGCATCG[A>G]AGAGGATTCTGATGAGCCTTTAGAGAGAAGGCTGTCCTTAGTACCAGATTCTGAGCAGGG-3'
Protein context (NP_000483.3, residues 715-735): QKTPLQMNGI[Glu725Gly]EDSDEPLERR